The following is an entry in ClinVar:

ClinVar aggregate classification (germline): Uncertain significance. Review status: criteria provided, multiple submitters, no conflicts (2 of 4 stars). 2 submissions from 2 submitters: Uncertain significance (2). Last evaluated 2025-09-08.

Conditions:
Inborn genetic diseases. Identifiers: MedGen C0950123, MeSH D030342.

gnomAD v4.1: 1 of 1,609,746 alleles (0.000062%); no homozygotes.

Submissions (2):

Labcorp Genetics (formerly Invitae), Labcorp
Classification: Uncertain significance. Last evaluated: 2025-09-08. Review status: criteria provided, single submitter. Criteria: Invitae Variant Classification Sherloc (09022015). Collection method: clinical testing. Allele origin: germline.
Comment: This sequence change replaces isoleucine, which is neutral and non-polar, with methionine, which is neutral and non-polar, at codon 448 of the ANKRD26 protein (p.Ile448Met). This variant is present in population databases (no rsID available, gnomAD 0.007%). This variant has not been reported in the literature in individuals affected with ANKRD26-related conditions. ClinVar contains an entry for this variant (Variation ID: 2793555). An algorithm developed to predict the effect of missense changes on protein structure and function (PolyPhen-2) suggests that this variant is likely to be tolerated. In summary, the available evidence is currently insufficient to determine the role of this variant in disease. Therefore, it has been classified as a Variant of Uncertain Significance.

Ambry Genetics
Classification: Uncertain significance for Inborn genetic diseases. Last evaluated: 2025-08-12. Review status: criteria provided, single submitter. Criteria: Ambry Variant Classification Scheme 2023. Collection method: clinical testing. Allele origin: germline.
Comment: The p.I448M variant (also known as c.1344A>G), located in coding exon 12 of the ANKRD26 gene, results from an A to G substitution at nucleotide position 1344. The isoleucine at codon 448 is replaced by methionine, an amino acid with highly similar properties. This amino acid position is conserved. In addition, this alteration is predicted to be tolerated by in silico analysis. Based on the available evidence, the clinical significance of this variant remains unclear.

NM_014915.3(ANKRD26):c.1344A>G (p.Ile448Met)

Gene: ANKRD26 (ankyrin repeat domain 26; minus strand). Cytogenetic location: 10p12.1.
Variant type: single nucleotide variant.
Coding change: c.1344A>G on transcript NM_014915.3 (MANE Select); coding-DNA position 1344, A replaced by G.
Protein change: p.Ile448Met; replaces isoleucine 448 with methionine.
Molecular consequence: missense variant.
Genome position (GRCh38, 1-based): chr10:27,064,007, T>C on the plus strand (A>G on the coding strand, the complement: ANKRD26 is on the minus strand). VCF-style: chr10-27064007-T-C. GRCh37 (hg19) VCF-style: chr10-27352936-T-C.
Other names: c.1344A>G, p.Ile448Met (NM_001256053.2); short protein forms I448M.
Identifiers: ClinVar variation 2793555 (VCV002793555.4), dbSNP rs1213745602, ClinGen allele CA376358817.